The following is an entry in ClinVar:

ClinVar aggregate classification (germline): Uncertain significance (1 of 4 stars; one submission).

Conditions:
Early-infantile DEE. Also called: Early infantile epileptic encephalopathy; Ohtahara syndrome; Early infantile epileptic encephalopathy with suppression bursts. Identifiers: Orphanet 1934, MedGen C0393706, MONDO:0800491.

Submission:

Labcorp Genetics (formerly Invitae), Labcorp
Classification: Uncertain significance for Early-infantile DEE. Last evaluated: 2024-04-22. Review status: criteria provided, single submitter. Criteria: Invitae Variant Classification Sherloc (09022015). Collection method: clinical testing. Allele origin: germline.
Comment: This sequence change replaces isoleucine, which is neutral and non-polar, with leucine, which is neutral and non-polar, at codon 286 of the GNAO1 protein (p.Ile286Leu). This variant is not present in population databases (gnomAD no frequency). This variant has not been reported in the literature in individuals affected with GNAO1-related conditions. Advanced modeling of protein sequence and biophysical properties (such as structural, functional, and spatial information, amino acid conservation, physicochemical variation, residue mobility, and thermodynamic stability) performed at Invitae indicates that this missense variant is not expected to disrupt GNAO1 protein function with a negative predictive value of 95%. In summary, the available evidence is currently insufficient to determine the role of this variant in disease. Therefore, it has been classified as a Variant of Uncertain Significance.

NM_020988.3(GNAO1):c.856A>C (p.Ile286Leu)

Gene: GNAO1 (G protein subunit alpha o1; plus strand). Cytogenetic location: 16q13.
Variant type: single nucleotide variant.
Coding change: c.856A>C on transcript NM_020988.3 (MANE Select); coding-DNA position 856, A replaced by C.
Protein change: p.Ile286Leu; replaces isoleucine 286 with leucine.
Molecular consequence: missense variant.
Genome position (GRCh38, 1-based): chr16:56,351,516, A>C. VCF-style: chr16-56351516-A-C. GRCh37 (hg19) VCF-style: chr16-56385428-A-C.
Other names: short protein forms I286L.
Identifiers: ClinVar variation 3650539 (VCV003650539.2).